The following is an entry in ClinVar:

ClinVar aggregate classification (germline): Pathogenic (1 of 4 stars; one submission).

Conditions:
Treacher Collins syndrome 1 (TCS1). Also called: TCOF1-Related Treacher Collins Syndrome. Identifiers: Orphanet 861, MedGen CN315775, MONDO:0007944, OMIM 154500.

Submission:

Labcorp Genetics (formerly Invitae), Labcorp
Classification: Pathogenic for Treacher Collins syndrome 1. Last evaluated: 2021-04-17. Review status: criteria provided, single submitter. Criteria: Invitae Variant Classification Sherloc (09022015). Collection method: clinical testing. Allele origin: germline.
Comment: For these reasons, this variant has been classified as Pathogenic. This variant has not been reported in the literature in individuals with TCOF1-related conditions. The frequency data for this variant in the population databases is not available, as this variant may be reported as separate entries in the ExAC database. This sequence change creates a premature translational stop signal (p.Glu609*) in the TCOF1 gene. It is expected to result in an absent or disrupted protein product. Loss-of-function variants in TCOF1 are known to be pathogenic (PMID: 8894686, 22317976).

Literature cited by the submitters: PubMed 8894686; PubMed 22317976.

NM_001371623.1(TCOF1):c.1824_1825delinsTT (p.Glu609Ter)

Gene: TCOF1 (treacle ribosome biogenesis factor 1; plus strand). Cytogenetic location: 5q32.
Variant type: Indel.
Coding change: c.1824_1825delinsTT on transcript NM_001371623.1 (MANE Select); coding-DNA positions 1824 to 1825, GG replaced by TT.
Protein change: p.Glu609Ter; replaces glutamic acid 609 with a stop codon.
Molecular consequence: nonsense.
Genome position (GRCh38, 1-based): chr5:150,375,840-150,375,841, GG replaced by TT. VCF-style: chr5-150375840-GG-TT. GRCh37 (hg19) VCF-style: chr5-149755403-GG-TT.
Other names: c.1593_1594delinsTT, p.Glu532Ter (NM_000356.4, NM_001135245.2); c.1824_1825delinsTT, p.Glu609Ter (NM_001008657.3, NM_001135243.2, NM_001135244.2 and 1 more transcripts); short protein forms E532*, E609*.
Identifiers: ClinVar variation 1449595 (VCV001449595.6), dbSNP rs2150726644, ClinGen allele CA2573139299.